The following is an entry in ClinVar:

NM_015450.3(POT1):c.1554G>A (p.Leu518=)

Gene: POT1 (protection of telomeres 1; minus strand). Cytogenetic location: 7q31.33.
Variant type: single nucleotide variant.
Coding change: c.1554G>A on transcript NM_015450.3 (MANE Select); coding-DNA position 1554, G replaced by A.
Protein change: p.Leu518=; no amino-acid change (leucine 518 retained).
Molecular consequence: synonymous variant. On other transcripts: non-coding transcript variant (2).
Genome position (GRCh38, 1-based): chr7:124,829,294, C>T on the plus strand (G>A on the coding strand, the complement: POT1 is on the minus strand). VCF-style: chr7-124829294-C-T. GRCh37 (hg19) VCF-style: chr7-124469348-C-T.
Other names: c.1161G>A, p.Leu387= (NM_001042594.2).
Identifiers: ClinVar variation 1775128 (VCV001775128.2), dbSNP rs1562974680, ClinGen allele CA457469637.

ClinVar aggregate classification (germline): Uncertain significance (1 of 4 stars; one submission).

Conditions:
Hereditary cancer-predisposing syndrome. Also called: Hereditary Cancer Syndrome; Hereditary neoplastic syndrome; Neoplastic Syndromes, Hereditary; Tumor predisposition. Identifiers: Orphanet 140162, MedGen C0027672, MeSH D009386, MONDO:0015356.

Submission:

Ambry Genetics
Classification: Uncertain significance for Hereditary cancer-predisposing syndrome. Last evaluated: 2022-06-30. Review status: criteria provided, single submitter. Criteria: Ambry Variant Classification Scheme 2023. Collection method: clinical testing. Allele origin: germline.
Comment: The c.1554G>A variant (also known as p.L518L), located in coding exon 12 of the POT1 gene, results from a G to A substitution at nucleotide position 1554. This nucleotide substitution does not change the leucine at codon 518. In silico splice site analysis for this alteration is inconclusive. Since supporting evidence is limited at this time, the clinical significance of this alteration remains unclear.